The following is an entry in ClinVar:

ClinVar aggregate classification (germline): Uncertain significance. Review status: criteria provided, multiple submitters, no conflicts (2 of 4 stars). 3 submissions from 3 submitters: Uncertain significance (3). Last evaluated 2025-05-23.

Conditions:
Hereditary cancer-predisposing syndrome. Also called: Tumor predisposition; Hereditary neoplastic syndrome; Hereditary Cancer Syndrome; Neoplastic Syndromes, Hereditary. Identifiers: Orphanet 140162, MedGen C0027672, MeSH D009386, MONDO:0015356.

Allele frequency attached by ClinVar (database versions not stated): gnomAD exomes below 0.00001; TOPMed below 0.00001.
gnomAD v4.1: 2 of 1,612,280 alleles (0.00012%); highest among the groups gnomAD compares: South Asian, 0.0011%; no homozygotes.

Submissions (3):

Ambry Genetics
Classification: Uncertain significance for Hereditary cancer-predisposing syndrome. Last evaluated: 2025-05-23. Review status: criteria provided, single submitter. Criteria: Ambry Variant Classification Scheme 2023. Collection method: clinical testing. Allele origin: germline.
Comment: The p.T654M variant (also known as c.1961C>T), located in coding exon 13 of the CTNNA1 gene, results from a C to T substitution at nucleotide position 1961. The threonine at codon 654 is replaced by methionine, an amino acid with similar properties. This amino acid position is highly conserved in available vertebrate species. In addition, the in silico prediction for this alteration is inconclusive. Based on the available evidence, the clinical significance of this variant remains unclear.

Labcorp Genetics (formerly Invitae), Labcorp
Classification: Uncertain significance. Last evaluated: 2025-04-07. Review status: criteria provided, single submitter. Criteria: Invitae Variant Classification Sherloc (09022015). Collection method: clinical testing. Allele origin: germline.
Comment: This sequence change replaces threonine, which is neutral and polar, with methionine, which is neutral and non-polar, at codon 654 of the CTNNA1 protein (p.Thr654Met). This variant is not present in population databases (gnomAD no frequency). This variant has not been reported in the literature in individuals affected with CTNNA1-related conditions. ClinVar contains an entry for this variant (Variation ID: 961635). Invitae Evidence Modeling of protein sequence and biophysical properties (such as structural, functional, and spatial information, amino acid conservation, physicochemical variation, residue mobility, and thermodynamic stability) indicates that this missense variant is not expected to disrupt CTNNA1 protein function with a negative predictive value of 80%. In summary, the available evidence is currently insufficient to determine the role of this variant in disease. Therefore, it has been classified as a Variant of Uncertain Significance.

GeneDx
Classification: Uncertain significance. Last evaluated: 2023-04-11. Review status: criteria provided, single submitter. Criteria: GeneDx Variant Classification Process June 2021. Collection method: clinical testing. Allele origin: germline. Affected: yes.
Comment: Not observed at significant frequency in large population cohorts (gnomAD); In silico analysis supports that this missense variant does not alter protein structure/function; Observed in individuals referred for hereditary cancer multi-gene panel testing (Clark et al., 2020); This variant is associated with the following publications: (PMID: 32051609)

NM_001903.5(CTNNA1):c.1961C>T (p.Thr654Met)

Gene: CTNNA1 (catenin alpha 1; plus strand). Cytogenetic location: 5q31.2.
Variant type: single nucleotide variant.
Coding change: c.1961C>T on transcript NM_001903.5 (MANE Select); coding-DNA position 1961, C replaced by T.
Protein change: p.Thr654Met; replaces threonine 654 with methionine.
Molecular consequence: missense variant.
Genome position (GRCh38, 1-based): chr5:138,929,307, C>T. VCF-style: chr5-138929307-C-T. GRCh37 (hg19) VCF-style: chr5-138264996-C-T.
Other names: c.1961C>T, p.Thr654Met (NM_001290307.3, NM_001323982.2, NM_001323983.1 and 2 more transcripts); c.1652C>T, p.Thr551Met (NM_001290309.3); c.1592C>T, p.Thr531Met (NM_001290310.3); c.851C>T, p.Thr284Met (NM_001290312.1, NM_001323987.1, NM_001323988.1 and 17 more transcripts); c.1868C>T, p.Thr623Met (NM_001323986.2); c.512C>T, p.Thr171Met (NM_001324006.1, NM_001324007.1, NM_001324008.1 and 2 more transcripts); c.758C>T, p.Thr253Met (NM_001324011.1); c.608C>T, p.Thr203Met (NM_001324012.1, NM_001324013.1); short protein forms T253M, T284M, T531M, T654M, T171M, T203M, T551M, T623M.
Identifiers: ClinVar variation 961635 (VCV000961635.12), dbSNP rs1003481327, ClinGen allele CA128220934.